The following is an entry in ClinVar:

NM_001164508.2(NEB):c.5457_5459delinsT (p.Lys1819fs)

Gene: NEB (nebulin; minus strand). Cytogenetic location: 2q23.3.
Variant type: Indel.
Coding change: c.5457_5459delinsT on transcript NM_001164508.2 (MANE Select); coding-DNA positions 5457 to 5459, ATA replaced by T.
Protein change: p.Lys1819fs; shifts the reading frame from lysine 1819.
Molecular consequence: frameshift variant.
Genome position (GRCh38, 1-based): chr2:151,663,852-151,663,854, TAT replaced by A on the plus strand (ATA replaced by T on the coding strand, the reverse complement: NEB is on the minus strand). VCF-style: chr2-151663852-TAT-A. GRCh37 (hg19) VCF-style: chr2-152520366-TAT-A.
Other names: c.5457_5459delinsT (NM_001271208.1); c.5457_5459delinsT, p.Lys1819fs (NM_001164507.2, NM_001271208.2, NM_004543.5); c.5457_5459delATAinsT, p.Lys1819Asnfs (NM_001271208.1); short protein forms K1819fs.
Identifiers: ClinVar variation 2677060 (VCV002677060.2), dbSNP rs2154172885, ClinGen allele CA2695196998.

ClinVar aggregate classification (germline): Pathogenic/Likely pathogenic. Review status: criteria provided, multiple submitters, no conflicts (2 of 4 stars). 2 submissions from 2 submitters: Pathogenic (1); Likely pathogenic (1). Last evaluated 2023-12-22.

Conditions:
Arthrogryposis multiplex congenita 6. Identifiers: MedGen C5543431, MONDO:0030281, OMIM 619334.
Nemaline myopathy 2 (NEM2). Also called: Nemaline myopathy 2, autosomal recessive. Identifiers: MedGen C1850569, MONDO:0009725, OMIM 256030.

Submissions (2):

Myriad Genetics, Inc.
Classification: Pathogenic for Nemaline myopathy 2. Last evaluated: 2023-12-22. Review status: criteria provided, single submitter. Criteria: Myriad Autosomal Dominant, Autosomal Recessive and X-Linked Classification Criteria (2023). Collection method: clinical testing. Allele origin: unknown.
Comment: NM_001271208.1(NEB):c.5457_5459delATAinsT(K1819Nfs*6) is expected to be pathogenic in the context of NEB-related nemaline myopathy. This variant is predicted to lead to an abnormal or absent protein product due to the creation of a premature termination codon in NEB, a gene where loss-of-function variants are known to be pathogenic. Please note: this variant was assessed in the context of healthy population screening.

Baylor Genetics
Classification: Likely pathogenic for Arthrogryposis multiplex congenita 6. Last evaluated: 2023-08-12. Review status: criteria provided, single submitter. Criteria: ACMG Guidelines, 2015. Collection method: clinical testing. Allele origin: unknown.